The following is an entry in ClinVar:

ClinVar aggregate classification (germline): Uncertain significance (1 of 4 stars; one submission).

Conditions:
Inborn genetic diseases. Identifiers: MedGen C0950123, MeSH D030342.

Submission:

Ambry Genetics
Classification: Uncertain significance for Inborn genetic diseases. Last evaluated: 2026-06-18. Review status: criteria provided, single submitter. Criteria: Ambry Variant Classification Scheme 2023. Collection method: clinical testing. Allele origin: germline.
Comment: The c.908A>T (p.D303V) alteration is located in exon 6 (coding exon 6) of the GRIN1 gene. This alteration results from a A to T substitution at nucleotide position 908, causing the aspartic acid (D) at amino acid position 303 to be replaced by a valine (V). This variant was not reported in population-based cohorts in the Genome Aggregation Database (gnomAD). This amino acid position is not well conserved in available vertebrate species. This missense variant is located in a region that has a low rate of benign missense variation (Lek, 2016; Firth, 2009). The in silico prediction for this alteration is inconclusive. Based on insufficient or conflicting evidence, the clinical significance of this alteration remains unclear.

NM_007327.4(GRIN1):c.908A>T (p.Asp303Val)

Gene: GRIN1 (glutamate ionotropic receptor NMDA type subunit 1; plus strand). Cytogenetic location: 9q34.3.
Variant type: single nucleotide variant.
Coding change: c.908A>T on transcript NM_007327.4 (MANE Select); coding-DNA position 908, A replaced by T.
Protein change: p.Asp303Val; replaces aspartic acid 303 with valine.
Molecular consequence: missense variant.
Genome position (GRCh38, 1-based): chr9:137,156,977, A>T. VCF-style: chr9-137156977-A-T. GRCh37 (hg19) VCF-style: chr9-140051429-A-T.
Other names: c.908A>T, p.Asp303Val (NM_000832.7, NM_021569.4); c.971A>T, p.Asp324Val (NM_001185090.2, NM_001185091.2, NM_001437330.1 and 1 more transcripts); short protein forms D303V, D324V.
Identifiers: ClinVar variation 4858216 (VCV004858216.2).